The following is an entry in ClinVar:

ClinVar aggregate classification (germline): Benign/Likely benign. Review status: criteria provided, multiple submitters, no conflicts (2 of 4 stars). 4 submissions from 4 submitters: Benign (1); Likely benign (3). Last evaluated 2026-04-01.

Conditions:
Generalized epilepsy-paroxysmal dyskinesia syndrome (PNKD3). Also called: Paroxysmal nonkinesigenic dyskinesia, 3, with or without generalized epilepsy; Generalized epilepsy and paroxysmal dyskinesia. Identifiers: Orphanet 79137, MedGen C5574945, MONDO:0012276, OMIM 609446.

Allele frequency attached by ClinVar (database versions not stated): gnomAD 0.00004 and 0.00012; TOPMed 0.00007; ESP Exome Variant Server 0.00008; 1000 Genomes Project 30x 0.00016; 1000 Genomes Project 0.00020; gnomAD exomes 0.00046; ExAC 0.00053.

Submissions (4):

CeGaT Center for Human Genetics Tuebingen
Classification: Likely benign. Last evaluated: 2026-04-01. Review status: criteria provided, single submitter. Criteria: CeGaT Center For Human Genetics Tuebingen Variant Classification Criteria Version 2. Collection method: clinical testing. Allele origin: germline. Affected: yes. Observed: 3 variant alleles.
Comment: KCNMA1: BP4, BP7

Labcorp Genetics (formerly Invitae), Labcorp
Classification: Benign for Generalized epilepsy-paroxysmal dyskinesia syndrome. Last evaluated: 2025-12-29. Review status: criteria provided, single submitter. Criteria: Invitae Variant Classification Sherloc (09022015). Collection method: clinical testing. Allele origin: germline.

Blueprint Genetics
Classification: Likely benign. Last evaluated: 2024-11-20. Review status: criteria provided, single submitter. Criteria: ACMG Guidelines, 2015. Collection method: clinical testing. Allele origin: germline.

Illumina Laboratory Services, Illumina
Classification: Likely benign for Generalized epilepsy-paroxysmal dyskinesia syndrome. Last evaluated: 2018-01-12. Review status: criteria provided, single submitter. Criteria: ICSL Variant Classification Criteria 13 December 2019. Collection method: clinical testing. Allele origin: germline.
Comment: This variant was observed in the ICSL laboratory as part of a predisposition screen in an ostensibly healthy population. It had not been previously curated by ICSL or reported in the Human Gene Mutation Database (HGMD: prior to June 1st, 2018), and was therefore a candidate for classification through an automated scoring system. Utilizing variant allele frequency, disease prevalence and penetrance estimates, and inheritance mode, an automated score was calculated to assess if this variant is too frequent to cause the disease. Based on the score and internal cut-off values, a variant classified as likely benign is not then subjected to further curation. The score for this variant resulted in a classification of likely benign for this disease.

NM_001161352.2(KCNMA1):c.3267G>A (p.Pro1089=)

Genes: KCNMA1 (potassium calcium-activated channel subfamily M alpha 1; minus strand), KCNMA1-AS1 (KCNMA1 antisense RNA 1; plus strand). Cytogenetic location: 10q22.3.
Variant type: single nucleotide variant.
Coding change: c.3267G>A on transcript NM_001161352.2 (MANE Select); coding-DNA position 3267, G replaced by A.
Protein change: p.Pro1089=; no amino-acid change (proline 1089 retained).
Molecular consequence: synonymous variant.
Genome position (GRCh38, 1-based): chr10:76,891,600, C>T on the plus strand (G>A on the coding strand, the complement: KCNMA1 is on the minus strand). VCF-style: chr10-76891600-C-T. GRCh37 (hg19) VCF-style: chr10-78651358-C-T.
Other names: c.3105G>A, p.Pro1035= (NM_001014797.3); c.3216G>A, p.Pro1072= (NM_001161353.2); c.2943G>A, p.Pro981= (NM_001271518.2); c.3183G>A, p.Pro1061= (NM_001271519.2); c.3102G>A, p.Pro1034= (NM_001322829.2, NM_001322836.2); c.3195G>A, p.Pro1065= (NM_001322830.2); c.3093G>A, p.Pro1031= (NM_001322832.2, NM_002247.4); c.3186G>A, p.Pro1062= (NM_001322835.2, NM_001322837.2); and 1 more.
Identifiers: ClinVar variation 767171 (VCV000767171.39), dbSNP rs189703190, ClinGen allele CA5567880.